The following is an entry in ClinVar:

NM_018489.3(ASH1L):c.1299G>C (p.Gln433His)

Gene: ASH1L (ASH1 like histone lysine methyltransferase; minus strand). Cytogenetic location: 1q22.
Variant type: single nucleotide variant.
Coding change: c.1299G>C on transcript NM_018489.3 (MANE Select); coding-DNA position 1299, G replaced by C.
Protein change: p.Gln433His; replaces glutamine 433 with histidine.
Molecular consequence: missense variant.
Genome position (GRCh38, 1-based): chr1:155,481,571, C>G on the plus strand (G>C on the coding strand, the complement: ASH1L is on the minus strand). VCF-style: chr1-155481571-C-G. GRCh37 (hg19) VCF-style: chr1-155451362-C-G.
Other names: c.1299G>C, p.Gln433His (NM_001366177.2); short protein forms Q433H.
Identifiers: ClinVar variation 4875149 (VCV004875149.2).

ClinVar aggregate classification (germline): Uncertain significance (1 of 4 stars; one submission).

gnomAD v4.1: 2 of 1,614,034 alleles (0.00012%); highest among the groups gnomAD compares: Admixed American, 0.0033%; no homozygotes.

Submission:

CeGaT Center for Human Genetics Tuebingen
Classification: Uncertain significance. Last evaluated: 2026-06-01. Review status: criteria provided, single submitter. Criteria: CeGaT Center For Human Genetics Tuebingen Variant Classification Criteria Version 2. Collection method: clinical testing. Allele origin: germline. Affected: yes. Observed: 1 variant allele.
Comment: ASH1L: PM2:Supporting, BP4